The following is an entry in ClinVar:

NM_000551.4(VHL):c.448A>G (p.Asn150Asp)

Genes: VHL (von Hippel-Lindau tumor suppressor; plus strand), LOC107303340 (3p25 von Hippel-Lindau tumor suppressor, E3 ubiquitin protein ligase Alu-mediated recombination region; plus strand). Cytogenetic location: 3p25.3.
Variant type: single nucleotide variant.
Coding change: c.448A>G on transcript NM_000551.4 (MANE Select); coding-DNA position 448, A replaced by G.
Protein change: p.Asn150Asp; replaces asparagine 150 with aspartic acid.
Molecular consequence: missense variant. On other transcripts: intron variant (2).
Genome position (GRCh38, 1-based): chr3:10,146,621, A>G. VCF-style: chr3-10146621-A-G. GRCh37 (hg19) VCF-style: chr3-10188305-A-G.
Other names: c.341-3166A>G (NM_198156.3); c.*18-3166A>G (NM_001354723.2); short protein forms N150D.
Identifiers: ClinVar variation 1740944 (VCV001740944.4), dbSNP rs2125128482, ClinGen allele CA351754328.

ClinVar aggregate classification (germline): Uncertain significance. Review status: criteria provided, multiple submitters, no conflicts (2 of 4 stars). 2 submissions from 2 submitters: Uncertain significance (2). Last evaluated 2024-08-30.

Conditions:
Hereditary cancer-predisposing syndrome. Also called: Neoplastic Syndromes, Hereditary; Tumor predisposition; Hereditary Cancer Syndrome; Hereditary neoplastic syndrome. Identifiers: Orphanet 140162, MedGen C0027672, MeSH D009386, MONDO:0015356.
Chuvash polycythemia. Also called: POLYCYTHEMIA, VHL-DEPENDENT. Identifiers: Orphanet 238557, MedGen C1837915, MONDO:0009892, OMIM 263400.
Von Hippel-Lindau syndrome (VHLS). Also called: von Hippel–Lindau syndrome; VHL syndrome; Von Hippel-Lindau. Identifiers: Orphanet 892, MedGen C0019562, MONDO:0008667, OMIM 193300. Disease mechanism: loss of function.

Submissions (2):

Labcorp Genetics (formerly Invitae), Labcorp
Classification: Uncertain significance for Von Hippel-Lindau syndrome; Chuvash polycythemia. Last evaluated: 2024-08-30. Review status: criteria provided, single submitter. Criteria: Invitae Variant Classification Sherloc (09022015). Collection method: clinical testing. Allele origin: germline.
Comment: This sequence change replaces asparagine, which is neutral and polar, with aspartic acid, which is acidic and polar, at codon 150 of the VHL protein (p.Asn150Asp). This variant is not present in population databases (gnomAD no frequency). This variant has not been reported in the literature in individuals affected with VHL-related conditions. ClinVar contains an entry for this variant (Variation ID: 1740944). Invitae Evidence Modeling of protein sequence and biophysical properties (such as structural, functional, and spatial information, amino acid conservation, physicochemical variation, residue mobility, and thermodynamic stability) indicates that this missense variant is expected to disrupt VHL protein function with a positive predictive value of 95%. In summary, the available evidence is currently insufficient to determine the role of this variant in disease. Therefore, it has been classified as a Variant of Uncertain Significance.

Ambry Genetics
Classification: Uncertain significance for Hereditary cancer-predisposing syndrome. Last evaluated: 2021-07-02. Review status: criteria provided, single submitter. Criteria: Ambry Variant Classification Scheme 2023. Collection method: clinical testing. Allele origin: germline.
Comment: The p.N150D variant (also known as c.448A>G), located in coding exon 2 of the VHL gene, results from an A to G substitution at nucleotide position 448. The asparagine at codon 150 is replaced by aspartic acid, an amino acid with highly similar properties. This amino acid position is well conserved in available vertebrate species. In addition, the in silico prediction for this alteration is inconclusive. Since supporting evidence is limited at this time, the clinical significance of this alteration remains unclear.